The following is an entry in ClinVar:

NM_018699.4(PRDM5):c.695G>A (p.Arg232Gln)

Gene: PRDM5 (PR/SET domain 5; minus strand). Cytogenetic location: 4q27.
Variant type: single nucleotide variant.
Coding change: c.695G>A on transcript NM_018699.4 (MANE Select); coding-DNA position 695, G replaced by A.
Protein change: p.Arg232Gln; replaces arginine 232 with glutamine.
Molecular consequence: missense variant. On other transcripts: intron variant (3).
Genome position (GRCh38, 1-based): chr4:120,816,880, C>T on the plus strand (G>A on the coding strand, the complement: PRDM5 is on the minus strand). VCF-style: chr4-120816880-C-T. GRCh37 (hg19) VCF-style: chr4-121738035-C-T.
Other names: c.695G>A, p.Arg232Gln (NM_001379104.1); c.651-306G>A (NM_001300824.2, NM_001379106.1, NM_001300823.2); short protein forms R232Q.
Identifiers: ClinVar variation 3783071 (VCV003783071.1).

ClinVar aggregate classification (germline): Uncertain significance (1 of 4 stars; one submission).

Conditions:
Cardiovascular phenotype. Identifiers: MedGen CN230736.

gnomAD v4.1: 8 of 1,613,838 alleles (0.0005%); highest among the groups gnomAD compares: Non-Finnish European, 0.00068%; no homozygotes.

Submission:

Ambry Genetics
Classification: Uncertain significance for Cardiovascular phenotype. Last evaluated: 2024-12-20. Review status: criteria provided, single submitter. Criteria: Ambry Variant Classification Scheme 2023. Collection method: clinical testing. Allele origin: germline.
Comment: The p.R232Q variant (also known as c.695G>A), located in coding exon 6 of the PRDM5 gene, results from a G to A substitution at nucleotide position 695. The arginine at codon 232 is replaced by glutamine, an amino acid with highly similar properties. This amino acid position is conserved. In addition, this alteration is predicted to be tolerated by in silico analysis. Based on the available evidence, the clinical significance of this variant remains unclear.